The following is an entry in ClinVar:

ClinVar aggregate classification (germline): Likely benign. Review status: criteria provided, multiple submitters, no conflicts (2 of 4 stars). 3 submissions from 3 submitters: Likely benign (3). Last evaluated 2025-12-17.

Allele frequency attached by ClinVar (database versions not stated): ExAC 0.00007; ESP Exome Variant Server 0.00008; 1000 Genomes Project 30x 0.00016; 1000 Genomes Project 0.00020.
gnomAD v4.1: 104 of 1,614,108 alleles (0.0064%); highest among the groups gnomAD compares: Middle Eastern, 0.033%; no homozygotes.

Submissions (3):

Labcorp Genetics (formerly Invitae), Labcorp
Classification: Likely benign. Last evaluated: 2025-12-17. Review status: criteria provided, single submitter. Criteria: Invitae Variant Classification Sherloc (09022015). Collection method: clinical testing. Allele origin: germline.

CeGaT Center for Human Genetics Tuebingen
Classification: Likely benign. Last evaluated: 2025-10-01. Review status: criteria provided, single submitter. Criteria: CeGaT Center For Human Genetics Tuebingen Variant Classification Criteria Version 2. Collection method: clinical testing. Allele origin: germline. Affected: yes. Observed: 3 variant alleles.
Comment: COL4A1: BP4, BP7

Blueprint Genetics
Classification: Likely benign. Last evaluated: 2022-09-08. Review status: criteria provided, single submitter. Criteria: ACMG Guidelines, 2015. Collection method: clinical testing. Allele origin: germline.

NM_001845.6(COL4A1):c.840C>T (p.Pro280=)

Gene: COL4A1 (collagen type IV alpha 1 chain; minus strand). Cytogenetic location: 13q34.
Variant type: single nucleotide variant.
Coding change: c.840C>T on transcript NM_001845.6 (MANE Select); coding-DNA position 840, C replaced by T.
Protein change: p.Pro280=; no amino-acid change (proline 280 retained).
Molecular consequence: synonymous variant.
Genome position (GRCh38, 1-based): chr13:110,206,683, G>A on the plus strand (C>T on the coding strand, the complement: COL4A1 is on the minus strand). VCF-style: chr13-110206683-G-A. GRCh37 (hg19) VCF-style: chr13-110859030-G-A.
Other names: c.840C>T, p.Pro280= (NM_001303110.2).
Identifiers: ClinVar variation 2042407 (VCV002042407.29), dbSNP rs147322861, ClinGen allele CA7048293.